The following is an entry in ClinVar:

ClinVar aggregate classification (germline): Pathogenic/Likely pathogenic. Review status: criteria provided, multiple submitters, no conflicts (2 of 4 stars). 5 submissions from 5 submitters: Pathogenic (2); Likely pathogenic (3). Last evaluated 2025-08-06.

Conditions:
Retinitis pigmentosa 28 (RP28). Identifiers: Orphanet 791, MedGen C1419614, MONDO:0011630, OMIM 606068.

Submissions (5):

Myriad Genetics, Inc.
Classification: Pathogenic for Retinitis pigmentosa 28. Last evaluated: 2025-08-06. Review status: criteria provided, single submitter. Criteria: Myriad Autosomal Dominant, Autosomal Recessive and X-Linked Classification Criteria (2023). Collection method: clinical testing. Allele origin: unknown.
Comment: NM_001201543.1(FAM161A):c.496dupT(S166Ffs*10) is a frameshift variant classified as pathogenic in the context of retinitis pigmentosa, FAM161A-related. S166Ffs*10 has not been observed in cases with relevant disease. Relevant functional assessments of this variant are not available in the literature. S166Ffs*10 has not been observed in referenced population frequency databases. In summary, NM_001201543.1(FAM161A):c.496dupT(S166Ffs*10) is a frameshift variant in a gene where loss of function is a known mechanism of disease and is predicted to disrupt protein function. Please note: this variant was assessed in the context of healthy population screening.

First Genomix Gene Laboratory, Genetic Diagnostics Department
Classification: Likely pathogenic for Retinitis pigmentosa 28. Last evaluated: 2025-01-10. Review status: criteria provided, single submitter. Criteria: ACMG Guidelines, 2015. Collection method: clinical testing. Allele origin: germline. Inheritance: Autosomal recessive inheritance. Affected: no. Observed: 1 variant allele.

Fulgent Genetics
Classification: Likely pathogenic for Retinitis pigmentosa 28. Last evaluated: 2024-04-29. Review status: criteria provided, single submitter. Criteria: ACMG Guidelines, 2015. Collection method: clinical testing. Allele origin: germline.

Baylor Genetics
Classification: Likely pathogenic for Retinitis pigmentosa 28. Last evaluated: 2024-02-08. Review status: criteria provided, single submitter. Criteria: ACMG Guidelines, 2015. Collection method: clinical testing. Allele origin: unknown.

Labcorp Genetics (formerly Invitae), Labcorp
Classification: Pathogenic. Last evaluated: 2022-04-25. Review status: criteria provided, single submitter. Criteria: Invitae Variant Classification Sherloc (09022015). Collection method: clinical testing. Allele origin: germline.
Comment: This sequence change creates a premature translational stop signal (p.Ser166Phefs*10) in the FAM161A gene. It is expected to result in an absent or disrupted protein product. Loss-of-function variants in FAM161A are known to be pathogenic (PMID: 20705278, 20705279, 24651477). This variant is not present in population databases (gnomAD no frequency). This variant has not been reported in the literature in individuals affected with FAM161A-related conditions. For these reasons, this variant has been classified as Pathogenic.

Literature cited by the submitters: PubMed 20705278 (cited by Labcorp Genetics (formerly Invitae), Labcorp); PubMed 20705279 (cited by Labcorp Genetics (formerly Invitae), Labcorp); PubMed 24651477 (cited by Labcorp Genetics (formerly Invitae), Labcorp).

NM_001201543.2(FAM161A):c.496dup (p.Ser166fs)

Gene: FAM161A (FAM161 centrosomal protein A; minus strand). Cytogenetic location: 2p15.
Variant type: Duplication.
Coding change: c.496dup on transcript NM_001201543.2 (MANE Select); coding-DNA position 496, one base duplicated (T; older notation c.496dupT).
Protein change: p.Ser166fs; shifts the reading frame from serine 166.
Molecular consequence: frameshift variant. On other transcripts: non-coding transcript variant (1).
Genome position (GRCh38, 1-based): chr2:61,840,508, A duplicated on the plus strand (T on the coding strand, the reverse complement: FAM161A is on the minus strand). VCF-style (leftmost placement, unchanged base first): chr2-61840507-G-GA. GRCh37 (hg19) VCF-style: chr2-62067642-G-GA.
Other names: c.496dup, p.Ser166fs (NM_032180.3); c.496dupT (NM_001201543.2); short protein forms S166fs.
Identifiers: ClinVar variation 2130565 (VCV002130565.8), dbSNP rs2466029102, ClinGen allele CA2580067635.